The following is an entry in ClinVar:

NM_000090.4(COL3A1):c.3989A>G (p.Glu1330Gly)

Gene: COL3A1 (collagen type III alpha 1 chain; plus strand). Cytogenetic location: 2q32.2.
Variant type: single nucleotide variant.
Coding change: c.3989A>G on transcript NM_000090.4 (MANE Select); coding-DNA position 3989, A replaced by G.
Protein change: p.Glu1330Gly; replaces glutamic acid 1330 with glycine.
Molecular consequence: missense variant.
Genome position (GRCh38, 1-based): chr2:189,010,343, A>G. VCF-style: chr2-189010343-A-G. GRCh37 (hg19) VCF-style: chr2-189875069-A-G.
Other names: short protein forms E1330G.
Identifiers: ClinVar variation 2263126 (VCV002263126.6), dbSNP rs765772753, ClinGen allele CA349848907.

ClinVar aggregate classification (germline): Uncertain significance. Review status: criteria provided, multiple submitters, no conflicts (2 of 4 stars). 4 submissions from 4 submitters: Uncertain significance (4). Last evaluated 2025-06-17.

Conditions:
Ehlers-Danlos syndrome, type 4 (EDSVASC). Also called: Ehlers-Danlos syndrome vascular type; Ehlers Danlos syndrome, ecchymotic type; Ehlers Danlos syndrome, arterial type; Ehlers Danlos syndrome, Sack-Barabas type; Ehlers-Danlos Syndrome Type IV. Identifiers: Orphanet 286, MedGen C0268338, MONDO:0017314, OMIM 130050.
Familial thoracic aortic aneurysm and aortic dissection (TAAD). Also called: Thoracic aortic aneurysms and dissections. Identifiers: Orphanet 91387, MedGen C4707243, MONDO:0019625.

Submissions (4):

Color Diagnostics, LLC DBA Color Health
Classification: Uncertain significance for Familial thoracic aortic aneurysm and aortic dissection. Last evaluated: 2025-06-17. Review status: criteria provided, single submitter. Criteria: ACMG Guidelines, 2015. Collection method: clinical testing. Allele origin: germline.
Comment: This missense variant replaces glutamic acid with glycine at codon 1330 of the COL3A1 protein. Computational prediction suggests that this variant may have deleterious impact on protein structure and function. To our knowledge, functional studies have not been reported for this variant. This variant has not been reported in individuals affected with COL3A1-related disorders in the literature. This variant has not been identified in the general population by the Genome Aggregation Database (gnomAD). The available evidence is insufficient to determine the role of this variant in disease conclusively. Therefore, this variant is classified as a Variant of Uncertain Significance.

Labcorp Genetics (formerly Invitae), Labcorp
Classification: Uncertain significance for Ehlers-Danlos syndrome, type 4. Last evaluated: 2024-08-22. Review status: criteria provided, single submitter. Criteria: Invitae Variant Classification Sherloc (09022015). Collection method: clinical testing. Allele origin: germline.
Comment: This sequence change replaces glutamic acid, which is acidic and polar, with glycine, which is neutral and non-polar, at codon 1330 of the COL3A1 protein (p.Glu1330Gly). This variant is not present in population databases (gnomAD no frequency). This variant has not been reported in the literature in individuals affected with COL3A1-related conditions. ClinVar contains an entry for this variant (Variation ID: 2263126). Invitae Evidence Modeling of protein sequence and biophysical properties (such as structural, functional, and spatial information, amino acid conservation, physicochemical variation, residue mobility, and thermodynamic stability) has been performed for this missense variant. However, the output from this modeling did not meet the statistical confidence thresholds required to predict the impact of this variant on COL3A1 protein function. In summary, the available evidence is currently insufficient to determine the role of this variant in disease. Therefore, it has been classified as a Variant of Uncertain Significance.

GeneDx
Classification: Uncertain significance. Last evaluated: 2024-04-04. Review status: criteria provided, single submitter. Criteria: GeneDx Variant Classification Process June 2021. Collection method: clinical testing. Allele origin: germline. Affected: yes.
Comment: Has not been previously published as pathogenic or benign to our knowledge; Not observed at significant frequency in large population cohorts (gnomAD); In silico analysis supports that this missense variant has a deleterious effect on protein structure/function; Not located in the triple helical region, where the majority of pathogenic missense variants occur (HGMD)

Ambry Genetics
Classification: Uncertain significance for Familial thoracic aortic aneurysm and aortic dissection. Last evaluated: 2021-12-30. Review status: criteria provided, single submitter. Criteria: Ambry Variant Classification Scheme 2023. Collection method: clinical testing. Allele origin: germline.